The following is an entry in ClinVar:

NM_001282531.3(ADNP):c.405A>G (p.Ala135=)

Gene: ADNP (activity dependent neuroprotector homeobox; minus strand). Cytogenetic location: 20q13.13.
Variant type: single nucleotide variant.
Coding change: c.405A>G on transcript NM_001282531.3 (MANE Select); coding-DNA position 405, A replaced by G.
Protein change: p.Ala135=; no amino-acid change (alanine 135 retained).
Molecular consequence: synonymous variant.
Genome position (GRCh38, 1-based): chr20:50,894,309, T>C on the plus strand (A>G on the coding strand, the complement: ADNP is on the minus strand). VCF-style: chr20-50894309-T-C. GRCh37 (hg19) VCF-style: chr20-49510846-T-C.
Other names: c.405A>G, p.Ala135= (NM_001282532.2, NM_001347511.2, NM_015339.5 and 1 more transcripts).
Identifiers: ClinVar variation 2052987 (VCV002052987.22), dbSNP rs752831684, ClinGen allele CA9908888.
Genomic context (GRCh38, chr20:50,894,309, plus strand): 5'-CTTAGGTTTAAGGCCATCATTTTTGTTTTTATCTTTGAAAGTGCTGAGGCTGCTACTTGG[T>C]GCGCTGGCGTTCGGAGCATGAAATATTTTAATGTGTGTTTCCAAAGTCTTTTTGTCTGCA-3'
Protein context (NP_001269460.1, residues 125-145): IKIFHAPNAS[Ala135=]PSSSLSTFKD

ClinVar aggregate classification (germline): Likely benign. Review status: criteria provided, multiple submitters, no conflicts (2 of 4 stars). 3 submissions from 3 submitters: Likely benign (3). Last evaluated 2026-01-12.

Allele frequency attached by ClinVar (database versions not stated): gnomAD 0.00001; gnomAD exomes 0.00001; ExAC 0.00002.
gnomAD v4.1: 11 of 1,613,830 alleles (0.00068%); highest among the groups gnomAD compares: Middle Eastern, 0.017%; no homozygotes.

Submissions (3):

Labcorp Genetics (formerly Invitae), Labcorp
Classification: Likely benign. Last evaluated: 2026-01-12. Review status: criteria provided, single submitter. Criteria: Invitae Variant Classification Sherloc (09022015). Collection method: clinical testing. Allele origin: germline.

CeGaT Center for Human Genetics Tuebingen
Classification: Likely benign. Last evaluated: 2024-07-01. Review status: criteria provided, single submitter. Criteria: CeGaT Center For Human Genetics Tuebingen Variant Classification Criteria Version 2. Collection method: clinical testing. Allele origin: germline. Affected: yes. Observed: 1 variant allele.
Comment: ADNP: BP4, BP7

Blueprint Genetics
Classification: Likely benign. Last evaluated: 2022-02-15. Review status: criteria provided, single submitter. Criteria: ACMG Guidelines, 2015. Collection method: clinical testing. Allele origin: germline.